The following is an entry in ClinVar:

NM_000219.6(KCNE1):c.98G>T (p.Arg33Met)

Gene: KCNE1 (potassium voltage-gated channel subfamily E regulatory subunit 1; minus strand). Cytogenetic location: 21q22.12.
Variant type: single nucleotide variant.
Coding change: c.98G>T on transcript NM_000219.6 (MANE Select); coding-DNA position 98, G replaced by T.
Protein change: p.Arg33Met; replaces arginine 33 with methionine.
Molecular consequence: missense variant.
Genome position (GRCh38, 1-based): chr21:34,449,537, C>A on the plus strand (G>T on the coding strand, the complement: KCNE1 is on the minus strand). VCF-style: chr21-34449537-C-A. GRCh37 (hg19) VCF-style: chr21-35821835-C-A.
Other names: c.98G>T, p.Arg33Met (NM_001127668.4, NM_001127669.4, NM_001127670.4 and 4 more transcripts); short protein forms R33M.
Identifiers: ClinVar variation 3374043 (VCV003374043.2).
Genomic context (GRCh38, chr21:34,449,537, plus strand): 5'-AATCCCAGTACCATGAGGACGTAGAGGGCCTCCAGCTTGCCGTCACTGCTGCGGGGGGAC[C>A]TGCGGGCCAGGCCCGACATGTTGCCACCCTGCTGAACTGTCTCCTGCCACAGCTTGGTCA-3'
Protein context (NP_000210.2, residues 23-43): QGGNMSGLAR[Arg33Met]SPRSSDGKLE

Conditions:
Long QT syndrome 5 (LQT5). Identifiers: Orphanet 101016, Orphanet 768, MedGen C1867904, MONDO:0013372, OMIM 613695.

Submission:

Roden Lab, Vanderbilt University Medical Center
No classification provided (evidence only). Condition: Long QT syndrome 5. Review status: no classification provided. Collection method: in vitro. Allele origin: not applicable. Functional consequence: Effect on ion channel function.
ClinVar note: "not provided" was previously submitted as the classification for the variant. However, the classification appeared to be based only on an observation of functional data so it was converted to no classification on 2025-07-30.